The following is an entry in ClinVar:

ClinVar aggregate classification (germline): Uncertain significance (1 of 4 stars; one submission).

Submission:

GeneDx
Classification: Uncertain significance. Last evaluated: 2025-07-18. Review status: criteria provided, single submitter. Criteria: GeneDx Variant Classification Process June 2021. Collection method: clinical testing. Allele origin: germline. Affected: yes.
Comment: Not observed at significant frequency in large population cohorts (gnomAD); Alters the last nucleotide of the exon in a gene for which loss of function is a known mechanism of disease, and both splice predictors and evolutionary conservation support a deleterious effect, although in the absence of functional evidence the actual effect of this sequence change is unknown.; Has not been previously published as pathogenic or benign to our knowledge

NM_002025.4(AFF2):c.2568G>A (p.Lys856=)

Gene: AFF2 (ALF transcription elongation factor 2; plus strand). Cytogenetic location: Xq28.
Variant type: single nucleotide variant.
Coding change: c.2568G>A on transcript NM_002025.4 (MANE Select); coding-DNA position 2568, G replaced by A.
Protein change: p.Lys856=; no amino-acid change (lysine 856 retained).
Molecular consequence: synonymous variant.
Genome position (GRCh38, 1-based): chrX:148,956,613, G>A. VCF-style: chrX-148956613-G-A. GRCh37 (hg19) VCF-style: chrX-148038143-G-A.
Other names: c.2469G>A, p.Lys823= (NM_001169122.2); c.2538G>A, p.Lys846= (NM_001169123.2); c.2463G>A, p.Lys821= (NM_001169124.2); c.2451G>A, p.Lys817= (NM_001169125.2); c.1491G>A, p.Lys497= (NM_001170628.1).
Identifiers: ClinVar variation 4686168 (VCV004686168.1).